The following is an entry in ClinVar:

NM_001303256.3(MORC2):c.457C>T (p.Arg153Trp)

Gene: MORC2 (MORC family CW-type zinc finger 2; minus strand). Cytogenetic location: 22q12.2.
Variant type: single nucleotide variant.
Coding change: c.457C>T on transcript NM_001303256.3 (MANE Select); coding-DNA position 457, C replaced by T.
Protein change: p.Arg153Trp; replaces arginine 153 with tryptophan.
Molecular consequence: missense variant.
Genome position (GRCh38, 1-based): chr22:30,942,241, G>A on the plus strand (C>T on the coding strand, the complement: MORC2 is on the minus strand). VCF-style: chr22-30942241-G-A. GRCh37 (hg19) VCF-style: chr22-31338228-G-A.
Other names: c.457C>T, p.Arg153Trp (NM_001303257.2); c.271C>T, p.Arg91Trp (NM_014941.3); short protein forms R153W, R91W.
Identifiers: ClinVar variation 1348037 (VCV001348037.6), dbSNP rs774502307, ClinGen allele CA10187243.

ClinVar aggregate classification (germline): Uncertain significance (1 of 4 stars; one submission).

Conditions:
Charcot-Marie-Tooth disease axonal type 2Z. Also called: CHARCOT-MARIE-TOOTH DISEASE, AXONAL, AUTOSOMAL DOMINANT, TYPE 2Z; CHARCOT-MARIE-TOOTH NEUROPATHY, TYPE 2Z. Identifiers: Orphanet 466768, MedGen C5569025, MONDO:0014736, OMIM 616688.

Allele frequency attached by ClinVar (database versions not stated): gnomAD exomes below 0.00001 and 0.00001; ExAC 0.00001; TOPMed 0.00001; gnomAD 0.00002.
gnomAD v4.1: 8 of 1,612,938 alleles (0.0005%); highest among the groups gnomAD compares: African/African-American, 0.0027%; no homozygotes.

Submission:

Labcorp Genetics (formerly Invitae), Labcorp
Classification: Uncertain significance for Charcot-Marie-Tooth disease axonal type 2Z. Last evaluated: 2023-07-17. Review status: criteria provided, single submitter. Criteria: Invitae Variant Classification Sherloc (09022015). Collection method: clinical testing. Allele origin: germline.
Comment: This variant has not been reported in the literature in individuals affected with MORC2-related conditions. ClinVar contains an entry for this variant (Variation ID: 1348037). Advanced modeling of protein sequence and biophysical properties (such as structural, functional, and spatial information, amino acid conservation, physicochemical variation, residue mobility, and thermodynamic stability) has been performed at Invitae for this missense variant, however the output from this modeling did not meet the statistical confidence thresholds required to predict the impact of this variant on MORC2 protein function. In summary, the available evidence is currently insufficient to determine the role of this variant in disease. Therefore, it has been classified as a Variant of Uncertain Significance. This variant is present in population databases (rs774502307, gnomAD 0.005%). This sequence change replaces arginine, which is basic and polar, with tryptophan, which is neutral and slightly polar, at codon 153 of the MORC2 protein (p.Arg153Trp).